The following is an entry in ClinVar:

NM_014252.4(SLC25A15):c.688G>A (p.Val230Met)

Gene: SLC25A15 (solute carrier family 25 member 15; plus strand). Cytogenetic location: 13q14.11.
Variant type: single nucleotide variant.
Coding change: c.688G>A on transcript NM_014252.4 (MANE Select); coding-DNA position 688, G replaced by A.
Protein change: p.Val230Met; replaces valine 230 with methionine.
Molecular consequence: missense variant.
Genome position (GRCh38, 1-based): chr13:40,808,503, G>A. VCF-style: chr13-40808503-G-A. GRCh37 (hg19) VCF-style: chr13-41382639-G-A.
Other names: short protein forms V230M.
Identifiers: ClinVar variation 1443153 (VCV001443153.5), dbSNP rs1185937987, ClinGen allele CA387918924.
Genomic context (GRCh38, chr13:40,808,503, plus strand): 5'-GTACCTTTGATGTTAAGTGGTGGAGTTGGTGGGATTTGCCTCTGGCTTGCGGTATACCCA[G>A]TGGATTGTATCAAATCCAGAATTCAAGTTCTTTCCATGTCTGGAAAACAGGCAGGATTTA-3'
Protein context (NP_055067.1, residues 220-240): GICLWLAVYP[Val230Met]DCIKSRIQVL

ClinVar aggregate classification (germline): Uncertain significance (1 of 4 stars; one submission).

Conditions:
Hyperornithinemia-hyperammonemia-homocitrullinuria syndrome (HHHS). Also called: HHH SYNDROME; Ornithine translocase deficiency. Identifiers: Orphanet 415, MedGen C0268540, MONDO:0009393, OMIM 238970.

Allele frequency attached by ClinVar (database versions not stated): gnomAD exomes 0.00001.
gnomAD v4.1: 19 of 1,613,268 alleles (0.0012%); highest among the groups gnomAD compares: South Asian, 0.0033%; no homozygotes.

Submission:

Labcorp Genetics (formerly Invitae), Labcorp
Classification: Uncertain significance for Hyperornithinemia-hyperammonemia-homocitrullinuria syndrome. Last evaluated: 2021-08-27. Review status: criteria provided, single submitter. Criteria: Invitae Variant Classification Sherloc (09022015). Collection method: clinical testing. Allele origin: germline.
Comment: This sequence change replaces valine with methionine at codon 230 of the SLC25A15 protein (p.Val230Met). The valine residue is moderately conserved and there is a small physicochemical difference between valine and methionine. This variant is not present in population databases (ExAC no frequency). This variant has not been reported in the literature in individuals affected with SLC25A15-related conditions. Algorithms developed to predict the effect of missense changes on protein structure and function (SIFT, PolyPhen-2, Align-GVGD) all suggest that this variant is likely to be tolerated. In summary, the available evidence is currently insufficient to determine the role of this variant in disease. Therefore, it has been classified as a Variant of Uncertain Significance.